The following is an entry in ClinVar:

ClinVar aggregate classification (germline): Likely benign (1 of 4 stars; one submission).

Allele frequency attached by ClinVar (database versions not stated): gnomAD exomes 0.00012; gnomAD 0.00014; TOPMed 0.00016; ExAC 0.00024.
gnomAD v4.1: 190 of 1,536,002 alleles (0.012%); highest among the groups gnomAD compares: Middle Eastern, 0.12%; no homozygotes.

Submission:

CeGaT Center for Human Genetics Tuebingen
Classification: Likely benign. Last evaluated: 2022-05-01. Review status: criteria provided, single submitter. Criteria: CeGaT Center For Human Genetics Tuebingen Variant Classification Criteria Version 2. Collection method: clinical testing. Allele origin: germline. Affected: yes. Observed: 1 variant allele.
Comment: RINL: BP4, BP7

NM_001195833.2(RINL):c.180G>A (p.Ala60=)

Gene: RINL (Ras and Rab interactor like; minus strand). Cytogenetic location: 19q13.2.
Variant type: single nucleotide variant.
Coding change: c.180G>A on transcript NM_001195833.2 (MANE Select); coding-DNA position 180, G replaced by A.
Protein change: p.Ala60=; no amino-acid change (alanine 60 retained).
Molecular consequence: synonymous variant. On other transcripts: 5 prime UTR variant (1).
Genome position (GRCh38, 1-based): chr19:38,876,361, C>T on the plus strand (G>A on the coding strand, the complement: RINL is on the minus strand). VCF-style: chr19-38876361-C-T. GRCh37 (hg19) VCF-style: chr19-39367001-C-T.
Other names: c.-163G>A (NM_198445.4).
Identifiers: ClinVar variation 2649824 (VCV002649824.24), dbSNP rs753639440, ClinGen allele CA9421445.